The following is an entry in ClinVar:

NM_021831.6(AGBL5):c.919C>A (p.Arg307Ser)

Gene: AGBL5 (AGBL carboxypeptidase 5; plus strand). Cytogenetic location: 2p23.3.
Variant type: single nucleotide variant.
Coding change: c.919C>A on transcript NM_021831.6 (MANE Select); coding-DNA position 919, C replaced by A.
Protein change: p.Arg307Ser; replaces arginine 307 with serine.
Molecular consequence: missense variant. On other transcripts: non-coding transcript variant (2).
Genome position (GRCh38, 1-based): chr2:27,055,692, C>A. VCF-style: chr2-27055692-C-A. GRCh37 (hg19) VCF-style: chr2-27278560-C-A.
Other names: c.919C>A, p.Arg307Ser (NM_001035507.3); short protein forms R307S.
Identifiers: ClinVar variation 942520 (VCV000942520.8), dbSNP rs760360747, ClinGen allele CA346177341.

ClinVar aggregate classification (germline): Uncertain significance. Review status: criteria provided, multiple submitters, no conflicts (2 of 4 stars). 2 submissions from 2 submitters: Uncertain significance (2). Last evaluated 2024-07-31.

Allele frequency attached by ClinVar (database versions not stated): TOPMed below 0.00001; gnomAD 0.00004.

Submissions (2):

Blueprint Genetics
Classification: Uncertain significance. Last evaluated: 2024-07-31. Review status: criteria provided, single submitter. Criteria: ACMG Guidelines, 2015. Collection method: clinical testing. Allele origin: germline.

Labcorp Genetics (formerly Invitae), Labcorp
Classification: Uncertain significance. Last evaluated: 2021-08-20. Review status: criteria provided, single submitter. Criteria: Invitae Variant Classification Sherloc (09022015). Collection method: clinical testing. Allele origin: germline.
Comment: This sequence change replaces arginine with serine at codon 307 of the AGBL5 protein (p.Arg307Ser). The arginine residue is moderately conserved and there is a moderate physicochemical difference between arginine and serine. This variant is not present in population databases (ExAC no frequency). This variant has not been reported in the literature in individuals affected with AGBL5-related conditions. Algorithms developed to predict the effect of missense changes on protein structure and function are either unavailable or do not agree on the potential impact of this missense change (SIFT: "Deleterious"; PolyPhen-2: "Probably Damaging"; Align-GVGD: "Class C15"). In summary, the available evidence is currently insufficient to determine the role of this variant in disease. Therefore, it has been classified as a Variant of Uncertain Significance.